The following is an entry in ClinVar:

ClinVar aggregate classification (germline): Benign/Likely benign. Review status: criteria provided, multiple submitters, no conflicts (2 of 4 stars). 4 submissions from 4 submitters: Benign (1); Likely benign (3). Last evaluated 2025-12-09.

Conditions:
Hereditary cancer-predisposing syndrome. Also called: Tumor predisposition; Hereditary Cancer Syndrome; Hereditary neoplastic syndrome; Neoplastic Syndromes, Hereditary. Identifiers: Orphanet 140162, MedGen C0027672, MeSH D009386, MONDO:0015356.
Neurofibromatosis, type 1 (NF1). Also called: VON RECKLINGHAUSEN DISEASE; NEUROFIBROMATOSIS, TYPE I, SOMATIC; Peripheral type neurofibromatosis; Neurofibromatosis, type I. Identifiers: Orphanet 636, MedGen C0027831, MONDO:0018975, OMIM 162200. Disease mechanism: loss of function.

Allele frequency attached by ClinVar (database versions not stated): gnomAD exomes below 0.00001; ExAC 0.00001.
gnomAD v4.1: 6 of 1,613,876 alleles (0.00037%); highest among the groups gnomAD compares: Middle Eastern, 0.017%; no homozygotes.

Submissions (4):

Labcorp Genetics (formerly Invitae), Labcorp
Classification: Likely benign for Neurofibromatosis, type 1. Last evaluated: 2025-12-09. Review status: criteria provided, single submitter. Criteria: Invitae Variant Classification Sherloc (09022015). Collection method: clinical testing. Allele origin: germline.

KCCC/NGS Laboratory, Kuwait Cancer Control Center
Classification: Benign for Neurofibromatosis, type 1. Last evaluated: 2025-02-01. Review status: criteria provided, single submitter. Criteria: ACMG Guidelines, 2015. Collection method: clinical testing. Allele origin: germline. Affected: no.

Genome-Nilou Lab
Classification: Likely benign for Neurofibromatosis, type 1. Last evaluated: 2022-03-15. Review status: criteria provided, single submitter. Criteria: ACMG Guidelines, 2015. Collection method: clinical testing. Allele origin: germline. Affected: no.

Ambry Genetics
Classification: Likely benign for Hereditary cancer-predisposing syndrome. Last evaluated: 2015-07-23. Review status: criteria provided, single submitter. Criteria: Ambry Autosomal Dominant and X-Linked criteria (10/2015). Collection method: clinical testing. Allele origin: germline. Observed: 1 variant allele.
Comment: In silico models in agreement (benign);Synonymous alterations with insufficient evidence to classify as benign

NM_001042492.3(NF1):c.5601G>A (p.Pro1867=)

Gene: NF1 (neurofibromin 1; plus strand). Cytogenetic location: 17q11.2.
Variant type: single nucleotide variant.
Coding change: c.5601G>A on transcript NM_001042492.3 (MANE Select); coding-DNA position 5601, G replaced by A.
Protein change: p.Pro1867=; no amino-acid change (proline 1867 retained).
Molecular consequence: synonymous variant.
Genome position (GRCh38, 1-based): chr17:31,327,831, G>A. VCF-style: chr17-31327831-G-A. GRCh37 (hg19) VCF-style: chr17-29654849-G-A.
Other names: c.5538G>A, p.Pro1846= (NM_000267.4).
Identifiers: ClinVar variation 233134 (VCV000233134.13), dbSNP rs766322878, ClinGen allele CA8487192.